The following is an entry in ClinVar:

Conditions:
Breast-ovarian cancer, familial, susceptibility to, 1 (BROVCA1). Also called: BRCA1 Hereditary Breast and Ovarian Cancer; OVARIAN CANCER, SUSCEPTIBILITY TO. Identifiers: Orphanet 145, MedGen C2676676, MONDO:0011450, OMIM 604370. Disease mechanism: loss of function.

Submission:

Brotman Baty Institute, University of Washington
No classification provided (evidence only). Condition: Breast-ovarian cancer, familial 1. Review status: no classification provided. Collection method: in vitro. Allele origin: not applicable. Functional consequence: functionally_normal.
ClinVar note: "not provided" was previously submitted as the classification for the variant. However, the classification appeared to be based only on an observation of functional data so it was converted to no classification on 2025-07-30.

NM_007294.4(BRCA1):c.5114T>A (p.Leu1705Gln)

Gene: BRCA1 (BRCA1 DNA repair associated; minus strand). Cytogenetic location: 17q21.31.
Variant type: single nucleotide variant.
Coding change: c.5114T>A on transcript NM_007294.4 (MANE Select); coding-DNA position 5114, T replaced by A.
Protein change: p.Leu1705Gln; replaces leucine 1705 with glutamine.
Molecular consequence: missense variant. On other transcripts: non-coding transcript variant (1).
Genome position (GRCh38, 1-based): chr17:43,063,912, A>T on the plus strand (T>A on the coding strand, the complement: BRCA1 is on the minus strand). VCF-style: chr17-43063912-A-T. GRCh37 (hg19) VCF-style: chr17-41215929-A-T.
Other names: c.4901T>A, p.Leu1634Gln (NM_001407571.1, NM_001407896.1, NM_001407897.1 and 12 more transcripts); c.5180T>A, p.Leu1727Gln (NM_001407581.1, NM_001407582.1); c.5177T>A, p.Leu1726Gln (NM_001407583.1, NM_001407585.1, NM_001407587.1 and 1 more transcripts); c.5174T>A, p.Leu1725Gln (NM_001407590.1, NM_001407591.1); c.5114T>A, p.Leu1705Gln (NM_001407593.1, NM_001407594.1, NM_001407596.1 and 7 more transcripts); c.5111T>A, p.Leu1704Gln (NM_001407610.1, NM_001407611.1, NM_001407612.1 and 17 more transcripts); c.5108T>A, p.Leu1703Gln (NM_001407627.1, NM_001407628.1, NM_001407629.1 and 14 more transcripts); c.5105T>A, p.Leu1702Gln (NM_001407644.1, NM_001407645.1); and 71 more; short protein forms L1658Q, L1726Q, L1705Q, L601Q, L1409Q, L1536Q, L1593Q, L1617Q.
Identifiers: ClinVar variation 867664 (VCV000867664.3), dbSNP rs397507242, ClinGen allele CA10591302.
Genomic context (GRCh38, chr17:43,063,912, plus strand): 5'-GGAGAAATAGTATTATACTTACAGAAATAGCTAACTACCCATTTTCCTCCCGCAATTCCT[A>T]GAAAATATTTCAGTGTCCGTTCACACACAAACTCAGCATCTGCAGAATGAAAAACACTCA-3'
Protein context (NP_009225.1, residues 1695-1715): FVCERTLKYF[Leu1705Gln]GIAGGKWVVS